The following is an entry in ClinVar:

ClinVar aggregate classification (germline): Uncertain significance (1 of 4 stars; one submission).

Submission:

Labcorp Genetics (formerly Invitae), Labcorp
Classification: Uncertain significance. Last evaluated: 2022-06-27. Review status: criteria provided, single submitter. Criteria: Invitae Variant Classification Sherloc (09022015). Collection method: clinical testing. Allele origin: germline.
Comment: In summary, the available evidence is currently insufficient to determine the role of this variant in disease. Therefore, it has been classified as a Variant of Uncertain Significance. This sequence change replaces lysine, which is basic and polar, with glutamic acid, which is acidic and polar, at codon 213 of the DNAJC17 protein (p.Lys213Glu). This variant is not present in population databases (gnomAD no frequency). This variant has not been reported in the literature in individuals affected with DNAJC17-related conditions. Algorithms developed to predict the effect of missense changes on protein structure and function are either unavailable or do not agree on the potential impact of this missense change (SIFT: "Tolerated"; PolyPhen-2: "Possibly Damaging"; Align-GVGD: "Class C0").

NM_018163.3(DNAJC17):c.637A>G (p.Lys213Glu)

Gene: DNAJC17 (DnaJ heat shock protein family (Hsp40) member C17; minus strand). Cytogenetic location: 15q15.1.
Variant type: single nucleotide variant.
Coding change: c.637A>G on transcript NM_018163.3 (MANE Select); coding-DNA position 637, A replaced by G.
Protein change: p.Lys213Glu; replaces lysine 213 with glutamic acid.
Molecular consequence: missense variant.
Genome position (GRCh38, 1-based): chr15:40,774,400, T>C on the plus strand (A>G on the coding strand, the complement: DNAJC17 is on the minus strand). VCF-style: chr15-40774400-T-C. GRCh37 (hg19) VCF-style: chr15-41066598-T-C.
Other names: short protein forms K213E.
Identifiers: ClinVar variation 1390041 (VCV001390041.6), dbSNP rs2141947900, ClinGen allele CA391762511.